The following is an entry in ClinVar:

NM_013266.4(CTNNA3):c.1240T>C (p.Tyr414His)

Gene: CTNNA3 (catenin alpha 3; minus strand). Cytogenetic location: 10q21.3.
Variant type: single nucleotide variant.
Coding change: c.1240T>C on transcript NM_013266.4 (MANE Select); coding-DNA position 1240, T replaced by C.
Protein change: p.Tyr414His; replaces tyrosine 414 with histidine.
Molecular consequence: missense variant.
Genome position (GRCh38, 1-based): chr10:66,766,305, A>G on the plus strand (T>C on the coding strand, the complement: CTNNA3 is on the minus strand). VCF-style: chr10-66766305-A-G. GRCh37 (hg19) VCF-style: chr10-68526063-A-G.
Other names: c.1240T>C, p.Tyr414His (NM_001127384.3); short protein forms Y414H.
Identifiers: ClinVar variation 4738553 (VCV004738553.1).

ClinVar aggregate classification (germline): Uncertain significance (1 of 4 stars; one submission).

Conditions:
Arrhythmogenic right ventricular dysplasia 13. Also called: ARRHYTHMOGENIC RIGHT VENTRICULAR CARDIOMYOPATHY 13; Arrhythmogenic right ventricular dysplasia, familial, 13. Identifiers: MedGen C3810138, MONDO:0000908, OMIM 615616.

Submission:

Labcorp Genetics (formerly Invitae), Labcorp
Classification: Uncertain significance for Arrhythmogenic right ventricular dysplasia 13. Last evaluated: 2025-11-03. Review status: criteria provided, single submitter. Criteria: Invitae Variant Classification Sherloc (09022015). Collection method: clinical testing. Allele origin: germline.
Comment: This sequence change replaces tyrosine, which is neutral and polar, with histidine, which is basic and polar, at codon 414 of the CTNNA3 protein (p.Tyr414His). This variant is not present in population databases (gnomAD no frequency). This variant has not been reported in the literature in individuals affected with CTNNA3-related conditions. Invitae Evidence Modeling of protein sequence and biophysical properties (such as structural, functional, and spatial information, amino acid conservation, physicochemical variation, residue mobility, and thermodynamic stability) has been performed for this missense variant. However, the output from this modeling did not meet the statistical confidence thresholds required to predict the impact of this variant on CTNNA3 protein function. In summary, the available evidence is currently insufficient to determine the role of this variant in disease. Therefore, it has been classified as a Variant of Uncertain Significance.